The following is an entry in ClinVar:

ClinVar aggregate classification (germline): Conflicting classifications of pathogenicity. Review status: criteria provided, conflicting classifications (1 of 4 stars). 2 submissions from 2 submitters: Pathogenic (1); Uncertain significance (1). Last evaluated 2024-04-17.

Conditions:
Brugada syndrome 5 (BRGDA5). Identifiers: Orphanet 130, Orphanet 871, MedGen C2748541, MONDO:0013015, OMIM 612838.

Submissions (2):

Labcorp Genetics (formerly Invitae), Labcorp
Classification: Pathogenic for Brugada syndrome 5. Last evaluated: 2024-04-17. Review status: criteria provided, single submitter. Criteria: Invitae Variant Classification Sherloc (09022015). Collection method: clinical testing. Allele origin: germline.
Comment: This sequence change creates a premature translational stop signal (p.Lys99*) in the SCN1B gene. While this is not anticipated to result in nonsense mediated decay, it is expected to disrupt the last 170 amino acid(s) of the SCN1B protein. This variant is not present in population databases (gnomAD no frequency). This variant has not been reported in the literature in individuals affected with SCN1B-related conditions. ClinVar contains an entry for this variant (Variation ID: 2010128). This variant disrupts a region of the SCN1B protein in which other variant(s) (p.Trp179*) have been determined to be pathogenic (PMID: 18464934; Invitae). This suggests that this is a clinically significant region of the protein, and that variants that disrupt it are likely to be disease-causing. For these reasons, this variant has been classified as Pathogenic.

GeneDx
Classification: Uncertain significance. Last evaluated: 2022-11-30. Review status: criteria provided, single submitter. Criteria: GeneDx Variant Classification Process June 2021. Collection method: clinical testing. Allele origin: germline. Affected: yes.
Comment: Not observed at significant frequency in large population cohorts (gnomAD); Nonsense variant predicted to result in protein truncation or nonsense mediated decay in a gene or region of a gene for which loss of function is not a well-established mechanism of disease; Has not been previously published as pathogenic or benign to our knowledge

Literature cited by the submitters: PubMed 18464934 (cited by Labcorp Genetics (formerly Invitae), Labcorp).

NM_001037.5(SCN1B):c.295A>T (p.Lys99Ter)

Gene: SCN1B (sodium voltage-gated channel beta subunit 1; plus strand). Cytogenetic location: 19q13.11.
Variant type: single nucleotide variant.
Coding change: c.295A>T on transcript NM_001037.5 (MANE Select); coding-DNA position 295, A replaced by T.
Protein change: p.Lys99Ter; replaces lysine 99 with a stop codon.
Molecular consequence: nonsense.
Genome position (GRCh38, 1-based): chr19:35,033,586, A>T. VCF-style: chr19-35033586-A-T. GRCh37 (hg19) VCF-style: chr19-35524490-A-T.
Other names: c.295A>T (NM_001037.4); c.196A>T, p.Lys66Ter (NM_001321605.2); c.295A>T, p.Lys99Ter (NM_199037.5); short protein forms K99*, K66*.
Identifiers: ClinVar variation 2010128 (VCV002010128.5), dbSNP rs1555720728, ClinGen allele CA405328718.
Genomic context (GRCh38, chr19:35,033,586, plus strand): 5'-CAGCTGGAGGAGGATGAGCGCTTCGAGGGCCGCGTGGTGTGGAATGGCAGCCGGGGCACC[A>T]AAGACCTGCAGGATCTGTCTATCTTCATCACCAATGTCACCTACAACCACTCGGGCGACT-3'